The following is an entry in ClinVar:

ClinVar aggregate classification (germline): Uncertain significance. Review status: criteria provided, multiple submitters, no conflicts (2 of 4 stars). 2 submissions from 2 submitters: Uncertain significance (2). Last evaluated 2023-12-08.

Conditions:
Inborn genetic diseases. Identifiers: MedGen C0950123, MeSH D030342.
3-methylglutaconic aciduria, type VIIB (MGCA7B). Also called: 3-methylglutaconic aciduria, type VII, with cataracts, neurologic involvement and neutropenia; CLPB Deficiency; 3-methylglutaconic aciduria with cataracts, neurologic involvement and neutropenia. Identifiers: Orphanet 445038, MedGen C5676893, MONDO:0014561, OMIM 616271.

Allele frequency attached by ClinVar (database versions not stated): gnomAD exomes below 0.00001 and 0.00001; ExAC 0.00001; gnomAD 0.00001; TOPMed 0.00002.
gnomAD v4.1: 6 of 1,613,566 alleles (0.00037%); highest among the groups gnomAD compares: Admixed American, 0.005%; no homozygotes.

Submissions (2):

Ambry Genetics
Classification: Uncertain significance for Inborn genetic diseases. Last evaluated: 2023-12-08. Review status: criteria provided, single submitter. Criteria: Ambry Variant Classification Scheme 2023. Collection method: clinical testing. Allele origin: germline.

Labcorp Genetics (formerly Invitae), Labcorp
Classification: Uncertain significance for 3-methylglutaconic aciduria, type VIIB. Last evaluated: 2023-05-19. Review status: criteria provided, single submitter. Criteria: Invitae Variant Classification Sherloc (09022015). Collection method: clinical testing. Allele origin: germline.
Comment: ClinVar contains an entry for this variant (Variation ID: 848832). An algorithm developed to predict the effect of missense changes on protein structure and function (PolyPhen-2) suggests that this variant is likely to be tolerated. In summary, the available evidence is currently insufficient to determine the role of this variant in disease. Therefore, it has been classified as a Variant of Uncertain Significance. This sequence change replaces alanine, which is neutral and non-polar, with valine, which is neutral and non-polar, at codon 85 of the CLPB protein (p.Ala85Val). This variant is present in population databases (rs751423546, gnomAD 0.007%). This variant has not been reported in the literature in individuals affected with CLPB-related conditions.

NM_001258392.3(CLPB):c.254C>T (p.Ala85Val)

Genes: CLPB (ClpB family mitochondrial disaggregase; minus strand), LOC130006336 (ATAC-STARR-seq lymphoblastoid active region 5191; plus strand). Cytogenetic location: 11q13.4.
Variant type: single nucleotide variant.
Coding change: c.254C>T on transcript NM_001258392.3 (MANE Select); coding-DNA position 254, C replaced by T.
Protein change: p.Ala85Val; replaces alanine 85 with valine.
Molecular consequence: missense variant. On other transcripts: synonymous variant (1).
Genome position (GRCh38, 1-based): chr11:72,434,221, G>A on the plus strand (C>T on the coding strand, the complement: CLPB is on the minus strand). VCF-style: chr11-72434221-G-A. GRCh37 (hg19) VCF-style: chr11-72145265-G-A.
Other names: c.254C>T, p.Ala85Val (NM_001258393.3, NM_030813.6); c.12C>T, p.Gly4= (NM_001258394.3); c.254C>T (NM_030813.3); short protein forms A85V.
Identifiers: ClinVar variation 848832 (VCV000848832.11), dbSNP rs751423546, ClinGen allele CA6171637.